The following is an entry in ClinVar:

ClinVar aggregate classification (germline): Likely benign. Review status: criteria provided, multiple submitters, no conflicts (2 of 4 stars). 2 submissions from 2 submitters: Likely benign (2). Last evaluated 2024-11-11.

Allele frequency attached by ClinVar (database versions not stated): ExAC 0.00083; gnomAD 0.00277; 1000 Genomes Project 0.00319; TOPMed 0.00341; 1000 Genomes Project 30x 0.00344; ESP Exome Variant Server 0.00361.
gnomAD v4.1: 813 of 1,614,098 alleles (0.05%); highest among the groups gnomAD compares: African/African-American, 1%; 4 homozygotes.

Submissions (2):

Blueprint Genetics
Classification: Likely benign. Last evaluated: 2024-11-11. Review status: criteria provided, single submitter. Criteria: ACMG Guidelines, 2015. Collection method: clinical testing. Allele origin: germline.

CeGaT Center for Human Genetics Tuebingen
Classification: Likely benign. Last evaluated: 2023-03-01. Review status: criteria provided, single submitter. Criteria: CeGaT Center For Human Genetics Tuebingen Variant Classification Criteria Version 2. Collection method: clinical testing. Allele origin: germline. Affected: yes. Observed: 1 variant allele.
Comment: WDFY3: BP4, BP7, BS1

NM_014991.6(WDFY3):c.2710C>T (p.Leu904=)

Genes: WDFY3 (WD repeat and FYVE domain containing 3; minus strand), WDFY3-AS1 (WDFY3 antisense RNA 1; plus strand). Cytogenetic location: 4q21.23.
Variant type: single nucleotide variant.
Coding change: c.2710C>T on transcript NM_014991.6 (MANE Select); coding-DNA position 2710, C replaced by T.
Protein change: p.Leu904=; no amino-acid change (leucine 904 retained).
Molecular consequence: synonymous variant.
Genome position (GRCh38, 1-based): chr4:84,801,762, G>A on the plus strand (C>T on the coding strand, the complement: WDFY3 is on the minus strand). VCF-style: chr4-84801762-G-A. GRCh37 (hg19) VCF-style: chr4-85722915-G-A.
Identifiers: ClinVar variation 2654876 (VCV002654876.25), dbSNP rs148934296, ClinGen allele CA2993666.